The following is an entry in ClinVar:

ClinVar aggregate classification (germline): Uncertain significance (1 of 4 stars; one submission).

Allele frequency attached by ClinVar (database versions not stated): gnomAD 0.00001; TOPMed 0.00001.
gnomAD v4.1: 17 of 1,399,926 alleles (0.0012%); highest among the groups gnomAD compares: Middle Eastern, 0.021%; 1 homozygote.

Submission:

Labcorp Genetics (formerly Invitae), Labcorp
Classification: Uncertain significance. Last evaluated: 2023-03-31. Review status: criteria provided, single submitter. Criteria: Invitae Variant Classification Sherloc (09022015). Collection method: clinical testing. Allele origin: germline.
Comment: In summary, the available evidence is currently insufficient to determine the role of this variant in disease. Therefore, it has been classified as a Variant of Uncertain Significance. An algorithm developed to predict the effect of missense changes on protein structure and function (PolyPhen-2) suggests that this variant is likely to be disruptive. This variant has not been reported in the literature in individuals affected with MESP1-related conditions. The frequency data for this variant in the population databases is considered unreliable, as metrics indicate poor data quality at this position in the gnomAD database. This sequence change replaces serine, which is neutral and polar, with arginine, which is basic and polar, at codon 81 of the MESP1 protein (p.Ser81Arg).

NM_018670.4(MESP1):c.243C>A (p.Ser81Arg)

Genes: MESP1 (mesoderm posterior bHLH transcription factor 1; minus strand), LOC130057889 (ATAC-STARR-seq lymphoblastoid silent region 6804; plus strand). Cytogenetic location: 15q26.1.
Variant type: single nucleotide variant.
Coding change: c.243C>A on transcript NM_018670.4 (MANE Select); coding-DNA position 243, C replaced by A.
Protein change: p.Ser81Arg; replaces serine 81 with arginine.
Molecular consequence: missense variant.
Genome position (GRCh38, 1-based): chr15:89,750,989, G>T on the plus strand (C>A on the coding strand, the complement: MESP1 is on the minus strand). VCF-style: chr15-89750989-G-T. GRCh37 (hg19) VCF-style: chr15-90294220-G-T.
Other names: short protein forms S81R.
Identifiers: ClinVar variation 2990627 (VCV002990627.3), dbSNP rs941041002, ClinGen allele CA274596918.